The following is an entry in ClinVar:

NM_002055.5(GFAP):c.1154C>G (p.Ser385Cys)

Gene: GFAP (glial fibrillary acidic protein; minus strand). Cytogenetic location: 17q21.31.
Variant type: single nucleotide variant.
Coding change: c.1154C>G on transcript NM_002055.5 (MANE Select); coding-DNA position 1154, C replaced by G.
Protein change: p.Ser385Cys; replaces serine 385 with cysteine.
Molecular consequence: missense variant.
Genome position (GRCh38, 1-based): chr17:44,910,632, G>C on the plus strand (C>G on the coding strand, the complement: GFAP is on the minus strand). VCF-style: chr17-44910632-G-C. GRCh37 (hg19) VCF-style: chr17-42988000-G-C.
Other names: c.1154C>G, p.Ser385Cys (NM_001131019.3, NM_001242376.3, NM_001363846.2); short protein forms S385C.
Identifiers: ClinVar variation 190362 (VCV000190362.40), dbSNP rs797044590, ClinGen allele CA347231.

ClinVar aggregate classification (germline): Pathogenic/Likely pathogenic. Review status: criteria provided, multiple submitters, no conflicts (2 of 4 stars). 7 submissions from 7 submitters: Pathogenic (3); Likely pathogenic (3). 1 of the submissions does not count toward it. Last evaluated 2023-08-01.

Conditions:
Alexander disease (ALXDRD). Also called: Alexander's disease. Identifiers: Orphanet 58, MedGen C0270726, MONDO:0008752, OMIM 203450.

Allele frequency attached by ClinVar (database versions not stated): TOPMed below 0.00001; gnomAD 0.00001.
gnomAD v4.1: 1 of 1,584,302 alleles (0.000063%); highest among the groups gnomAD compares: Non-Finnish European, 0.000086%; no homozygotes.

Submissions (7):

CeGaT Center for Human Genetics Tuebingen
Classification: Likely pathogenic. Last evaluated: 2023-08-01. Review status: criteria provided, single submitter. Criteria: CeGaT Center For Human Genetics Tuebingen Variant Classification Criteria Version 2. Collection method: clinical testing. Allele origin: germline. Affected: yes. Observed: 2 variant alleles.
Comment: GFAP: PM2, PM5, PS4:Moderate, PP3

Labcorp Genetics (formerly Invitae), Labcorp
Classification: Pathogenic. Last evaluated: 2023-05-08. Review status: criteria provided, single submitter. Criteria: Invitae Variant Classification Sherloc (09022015). Collection method: clinical testing. Allele origin: germline.
Comment: For these reasons, this variant has been classified as Pathogenic. This variant disrupts the p.Ser385 amino acid residue in GFAP. Other variant(s) that disrupt this residue have been determined to be pathogenic (PMID: 22818990, 23364391). This suggests that this residue is clinically significant, and that variants that disrupt this residue are likely to be disease-causing. Advanced modeling of protein sequence and biophysical properties (such as structural, functional, and spatial information, amino acid conservation, physicochemical variation, residue mobility, and thermodynamic stability) has been performed at Invitae for this missense variant, however the output from this modeling did not meet the statistical confidence thresholds required to predict the impact of this variant on GFAP protein function. ClinVar contains an entry for this variant (Variation ID: 190362). This missense change has been observed in individuals with clinical features of Alexander disease (PMID: 24306001, 26285664; Invitae). It has also been observed to segregate with disease in related individuals. This variant is not present in population databases (gnomAD no frequency). This sequence change replaces serine, which is neutral and polar, with cysteine, which is neutral and slightly polar, at codon 385 of the GFAP protein (p.Ser385Cys).

Women's Health and Genetics/Laboratory Corporation of America, LabCorp
Classification: Likely pathogenic for Alexander disease. Last evaluated: 2021-09-28. Review status: criteria provided, single submitter. Criteria: LabCorp Variant Classification Summary - May 2015. Collection method: clinical testing. Allele origin: germline.
Comment: Variant summary: GFAP c.1154C>G (p.Ser385Cys) results in a non-conservative amino acid change in the encoded protein sequence. Five of five in-silico tools predict a damaging effect of the variant on protein function. The variant was absent in 205884 control chromosomes. c.1154C>G has been reported in the literature in individuals affected with Alexander Disease or multiple sclerosis (Graff-Radford_2014, Le_2017). These data indicate that the variant is likely to be associated with disease. To our knowledge, no experimental evidence demonstrating an impact on protein function has been reported. Three clinical diagnostic laboratories have submitted clinical-significance assessments for this variant to ClinVar after 2014 without evidence for independent evaluation. All laboratories classified the variant as pathogenic/likely pathogenic. Based on the evidence outlined above, the variant was classified as likely pathogenic.

Victorian Clinical Genetics Services, Murdoch Childrens Research Institute
Classification: Pathogenic for Alexander disease. Last evaluated: 2021-05-06. Review status: criteria provided, single submitter. Criteria: ACMG Guidelines, 2015. Collection method: clinical testing. Allele origin: germline. Inheritance: Autosomal dominant inheritance. Affected: yes.
Comment: Based on the classification scheme VCGS_Germline_v1.3.4, this variant is classified as pathogenic. Following criteria are met: 0105 - The mechanism of disease for this gene is not clearly established. The mechanism of disease for this gene is not clearly established. Functional studies have demonstrated both dominant negative and gain of function are possible mechanisms of disease, however, the latter is the more widely accepted mechanism (OMIM, PMIDs: 11138011, 30355500, 31484723, 20301351).(I) 0107 - This gene is associated with autosomal dominant disease. (I) 0115 - Variants in this gene are known to have variable expressivity (PMID: 20301351). (I) 0200 - Variant is predicted to result in a missense amino acid change from serine to cysteine. (I) 0251 - This variant is heterozygous. (I) 0302 - Variant is present in gnomAD (v3) <0.001 for a dominant condition (1 heterozygote, 0 homozygotes). (SP) 0501 - Missense variant consistently predicted to be damaging by multiple in silico tools and highly conserved with a major amino acid change. (SP) 0601 - Variant is located in the functional important C-terminal domain. Mutant constructs harbouring C-terminal GFAP variants identified in affected individuals resulted in protein self-aggregation compared to wild type GFAP protein. Co-transfection of mutant and wild type constructs also resulted in increased filament aggregation relative to the amount of mutant construct. However, these experiments were performed in cancer cell ines and may not represent the best experimental model to investigate filament assembly (PMID: 21756903). (SP) 0704 - Another missense variant comparable to the one identified in this case has limited previous evidence for pathogenicity. The p.S385F variant has been reported in two individuals with infantile Alexander disease (PMIDs: 23364391, 22818990). (SP) 0802 - This variant has moderate previous evidence of pathogenicity in unrelated individuals. This variant has been reported in four individuals with adult Alexander disease (PMIDs: 24306001, 26285664, Le S. and Soileau M. 2017, ClinVar). (SP) 0906 - Segregation evidence for this variant is inconclusive. There is insufficient information to determine the segregation of this variant with disease. (I) 1007 - No published functional evidence has been identified for this variant. (I) 1102 - Strong phenotype match for this individual. (SP) 1208 - Inheritance information for this variant is not currently available in this individual. (I) Legend: (SP) - Supporting pathogenic, (I) - Information, (SB) - Supporting benign

Mayo Clinic Laboratories, Mayo Clinic
Classification: Likely pathogenic. Last evaluated: 2020-12-18. Review status: criteria provided, single submitter. Criteria: ACMG Guidelines, 2015. Collection method: clinical testing. Allele origin: germline. Observed: 1 variant allele.
Comment: PM2, PM5, PP1, PP4

GeneDx
Classification: Pathogenic. Last evaluated: 2015-08-27. Review status: criteria provided, single submitter. Criteria: GeneDx Variant Classification (06012015). Collection method: clinical testing. Allele origin: germline. Affected: yes.
Comment: The S385C variant in the GFAP gene has been reported previously in a father and son with Alexanderdisease (Graff-Radford et al., 2014). This substitution has not been observed in approximately 6,500 individualsof European and African American ancestry in the NHLBI Exome Sequencing Project, indicating it is not acommon benign variant in these populations. The S385C variant is a non-conservative amino acidsubstitution, which is likely to impact secondary protein structure as these residues differ in polarity, charge,size and/or other properties. Additionally, this substitution occurs at a position where amino acids with similarproperties to Serine are tolerated across species, and other missense variants nearby and at the same position(S385F) have been reported in the Human Gene Mutation Database in association with Alexander disease(Stenson et al., 2014; Zang et al., 2013). In silico analysis predicts this variant is probably damaging to theprotein structure/function. Therefore, we interpret S385C as a pathogenic variant.

GeneReviews
No classification provided. Condition: Alexander disease. Review status: no classification provided. Collection method: literature only. Allele origin: germline. Affected: yes. Not counted in ClinVar's aggregate classification.

Literature cited by the submitters: PubMed 22818990 (cited by Labcorp Genetics (formerly Invitae), Labcorp and Victorian Clinical Genetics Services, Murdoch Childrens Research Institute); PubMed 23364391 (cited by Labcorp Genetics (formerly Invitae), Labcorp and Victorian Clinical Genetics Services, Murdoch Childrens Research Institute); PubMed 24306001 (cited by 5 submitters); PubMed 26285664 (cited by Labcorp Genetics (formerly Invitae), Labcorp and Victorian Clinical Genetics Services, Murdoch Childrens Research Institute); PubMed 11138011 (cited by Victorian Clinical Genetics Services, Murdoch Childrens Research Institute); PubMed 20301351 (cited by Victorian Clinical Genetics Services, Murdoch Childrens Research Institute); PubMed 21756903 (cited by Victorian Clinical Genetics Services, Murdoch Childrens Research Institute); PubMed 30355500 (cited by Victorian Clinical Genetics Services, Murdoch Childrens Research Institute); PubMed 31484723 (cited by Victorian Clinical Genetics Services, Murdoch Childrens Research Institute); NCBI Bookshelf NBK1172 (cited by GeneReviews).